The following is an entry in ClinVar:

NM_024608.4(NEIL1):c.146C>G (p.Ala49Gly)

Gene: NEIL1 (nei like DNA glycosylase 1; plus strand). Cytogenetic location: 15q24.2.
Variant type: single nucleotide variant.
Coding change: c.146C>G on transcript NM_024608.4 (MANE Select); coding-DNA position 146, C replaced by G.
Protein change: p.Ala49Gly; replaces alanine 49 with glycine.
Molecular consequence: missense variant. On other transcripts: 5 prime UTR variant (1), non-coding transcript variant (1), intron variant (1).
Genome position (GRCh38, 1-based): chr15:75,349,051, C>G. VCF-style: chr15-75349051-C-G. GRCh37 (hg19) VCF-style: chr15-75641392-C-G.
Other names: c.404C>G, p.Ala135Gly (NM_001256552.1); c.-190C>G (NM_001352519.2); c.111+35C>G (NM_001352520.2); short protein forms A135G, A49G.
Identifiers: ClinVar variation 771476 (VCV000771476.8), dbSNP rs184655220, ClinGen allele CA7665401.

ClinVar aggregate classification (germline): Benign/Likely benign. Review status: criteria provided, multiple submitters, no conflicts (2 of 4 stars). 3 submissions from 3 submitters: Benign (1); Likely benign (2). Last evaluated 2025-04-10.

Allele frequency attached by ClinVar (database versions not stated): gnomAD exomes 0.00067 and 0.00291; gnomAD 0.00118 and 0.00121; 1000 Genomes Project 0.00160; 1000 Genomes Project 30x 0.00172; TOPMed 0.00220; ExAC 0.00255.
gnomAD v4.1: 1,151 of 1,613,548 alleles (0.071%); highest among the groups gnomAD compares: Admixed American, 1.7%; 21 homozygotes.

Submissions (3):

GeneDx
Classification: Likely benign. Last evaluated: 2025-04-10. Review status: criteria provided, single submitter. Criteria: GeneDx Variant Classification Process June 2021. Collection method: clinical testing. Allele origin: germline. Affected: yes.
Comment: See Variant Classification Assertion Criteria.

Labcorp Genetics (formerly Invitae), Labcorp
Classification: Benign. Last evaluated: 2019-12-31. Review status: criteria provided, single submitter. Criteria: Invitae Variant Classification Sherloc (09022015). Collection method: clinical testing. Allele origin: germline.

Breakthrough Genomics
Classification: Likely benign. Review status: criteria provided, single submitter. Criteria: ACMG Guidelines, 2015. Collection method: not provided. Allele origin: germline. Inheritance: Unknown mechanism. Affected: yes.